The following is an entry in ClinVar:

ClinVar aggregate classification (germline): Conflicting classifications of pathogenicity. Review status: criteria provided, conflicting classifications (1 of 4 stars). 4 submissions from 4 submitters: Uncertain significance (3); Likely benign (1). Last evaluated 2025-12-03.

Conditions:
Distal myopathy with posterior leg and anterior hand involvement. Also called: WILLIAMS DISTAL MYOPATHY. Identifiers: Orphanet 63273, MedGen C3279722, MONDO:0013550, OMIM 614065.
Myofibrillar myopathy 5. Also called: Filaminopathy (type); FILAMINOPATHY, AUTOSOMAL DOMINANT. Identifiers: Orphanet 171445, MedGen C1836050, MONDO:0012289, OMIM 609524.
Hypertrophic cardiomyopathy 26. Also called: Cardiomyopathy, familial hypertrophic, 26. Identifiers: Orphanet 75249, MedGen C4310749, MONDO:0014883, OMIM 617047.
Cardiovascular phenotype. Identifiers: MedGen CN230736.

Allele frequency attached by ClinVar (database versions not stated): gnomAD 0.00001 and 0.00003; TOPMed 0.00003; gnomAD exomes 0.00007; ESP Exome Variant Server 0.00008; ExAC 0.00010; 1000 Genomes Project 0.00040; 1000 Genomes Project 30x 0.00047.
gnomAD v4.1: 30 of 1,613,520 alleles (0.0019%); highest among the groups gnomAD compares: Admixed American, 0.023%; no homozygotes.

Submissions (4):

Labcorp Genetics (formerly Invitae), Labcorp
Classification: Likely benign for Distal myopathy with posterior leg and anterior hand involvement; Myofibrillar myopathy 5; Hypertrophic cardiomyopathy 26. Last evaluated: 2025-12-03. Review status: criteria provided, single submitter. Criteria: Invitae Variant Classification Sherloc (09022015). Collection method: clinical testing. Allele origin: germline.

GeneDx
Classification: Uncertain significance. Last evaluated: 2024-05-29. Review status: criteria provided, single submitter. Criteria: GeneDx Variant Classification Process June 2021. Collection method: clinical testing. Allele origin: germline. Affected: yes.
Comment: In silico analysis supports that this missense variant has a deleterious effect on protein structure/function; Has not been previously published as pathogenic or benign to our knowledge

Ambry Genetics
Classification: Uncertain significance for Cardiovascular phenotype. Last evaluated: 2023-11-29. Review status: criteria provided, single submitter. Criteria: Ambry Variant Classification Scheme 2023. Collection method: clinical testing. Allele origin: germline.
Comment: The p.A1475V variant (also known as c.4424C>T), located in coding exon 25 of the FLNC gene, results from a C to T substitution at nucleotide position 4424. The alanine at codon 1475 is replaced by valine, an amino acid with similar properties. This amino acid position is highly conserved in available vertebrate species. In addition, this alteration is predicted to be deleterious by in silico analysis. Since supporting evidence is limited at this time, the clinical significance of this alteration remains unclear.

Mayo Clinic Laboratories, Mayo Clinic
Classification: Uncertain significance. Last evaluated: 2022-12-21. Review status: criteria provided, single submitter. Criteria: ACMG Guidelines, 2015. Collection method: clinical testing. Allele origin: germline. Observed: 1 variant allele.
Comment: PP3

NM_001458.5(FLNC):c.4424C>T (p.Ala1475Val)

Gene: FLNC (filamin C; plus strand). Cytogenetic location: 7q32.1.
Variant type: single nucleotide variant.
Coding change: c.4424C>T on transcript NM_001458.5 (MANE Select); coding-DNA position 4424, C replaced by T.
Protein change: p.Ala1475Val; replaces alanine 1475 with valine.
Molecular consequence: missense variant.
Genome position (GRCh38, 1-based): chr7:128,847,832, C>T. VCF-style: chr7-128847832-C-T. GRCh37 (hg19) VCF-style: chr7-128487886-C-T.
Other names: p.Ala1475Val; c.4424C>T, p.Ala1475Val (NM_001127487.2); short protein forms A1475V.
Identifiers: ClinVar variation 472066 (VCV000472066.11), dbSNP rs369305865, ClinGen allele CA4475329.